The following is an entry in ClinVar:

NM_004415.4(DSP):c.7172C>T (p.Ala2391Val)

Gene: DSP (desmoplakin; plus strand). Cytogenetic location: 6p24.3.
Variant type: single nucleotide variant.
Coding change: c.7172C>T on transcript NM_004415.4 (MANE Select); coding-DNA position 7172, C replaced by T.
Protein change: p.Ala2391Val; replaces alanine 2391 with valine.
Molecular consequence: missense variant.
Genome position (GRCh38, 1-based): chr6:7,584,434, C>T. VCF-style: chr6-7584434-C-T. GRCh37 (hg19) VCF-style: chr6-7584667-C-T.
Other names: c.5375C>T, p.Ala1792Val (NM_001008844.3); c.5843C>T, p.Ala1948Val (NM_001319034.2); c.7172C>T (LRG_423t1); short protein forms A2391V, A1948V, A1792V.
Identifiers: ClinVar variation 246672 (VCV000246672.9), dbSNP rs879254351, ClinGen allele CA10584683.

ClinVar aggregate classification (germline): Uncertain significance (1 of 4 stars; one submission).

Conditions:
Arrhythmogenic cardiomyopathy with wooly hair and keratoderma. Also called: PALMOPLANTAR KERATODERMA WITH LEFT VENTRICULAR CARDIOMYOPATHY AND WOOLLY HAIR; Carvajal syndrome; Arrhythmogenic cardiomyopathy with woolly hair and keratoderma; Dilated cardiomyopathy with woolly hair and keratoderma. Identifiers: Orphanet 65282, MedGen C1854063, MONDO:0011581, OMIM 605676.
Arrhythmogenic right ventricular dysplasia 8 (ARVD8). Also called: Arrhythmogenic Right Ventricular Dysplasia/Cardiomyopathy 8; ARRHYTHMOGENIC RIGHT VENTRICULAR DYSPLASIA, FAMILIAL, 8; ARRHYTHMOGENIC RIGHT VENTRICULAR CARDIOMYOPATHY 8. Identifiers: MedGen C1843896, MONDO:0011831, OMIM 607450.

Allele frequency attached by ClinVar (database versions not stated): gnomAD 0.00001.
gnomAD v4.1: 1 of 1,614,032 alleles (0.000062%); highest among the groups gnomAD compares: Non-Finnish European, 0.000085%; no homozygotes.

Submission:

Labcorp Genetics (formerly Invitae), Labcorp
Classification: Uncertain significance for Arrhythmogenic cardiomyopathy with wooly hair and keratoderma; Arrhythmogenic right ventricular dysplasia 8. Last evaluated: 2015-12-19. Review status: criteria provided, single submitter. Criteria: Invitae Variant Classification Sherloc (09022015). Collection method: clinical testing. Allele origin: germline.
Comment: In summary, this is a novel missense change with uncertain impact on protein function. It has been classified as a Variant of Uncertain Significance. Algorithms developed to predict the effect of missense changes on protein structure and function (SIFT, PolyPhen-2, Align-GVGD) all suggest that this variant is likely to be disruptive, but these predictions have not been confirmed by published functional studies. This variant is not present in population databases (ExAC no frequency) and has not been reported in the literature in individuals with a DSP-related disease. This sequence change replaces alanine with valine at codon 2391 of the DSP protein (p.Ala2391Val). The alanine residue is highly conserved and there is a small physicochemical difference between alanine and valine.